The following is an entry in ClinVar:

NM_001378120.1(MBD5):c.113+4A>G

Gene: MBD5 (methyl-CpG binding domain protein 5; plus strand). Cytogenetic location: 2q23.1.
Variant type: single nucleotide variant.
Coding change: c.113+4A>G on transcript NM_001378120.1 (MANE Select); 4 bases into the intron after coding-DNA position 113, A replaced by G.
Molecular consequence: intron variant.
Genome position (GRCh38, 1-based): chr2:148,458,875, A>G. VCF-style: chr2-148458875-A-G. GRCh37 (hg19) VCF-style: chr2-149216444-A-G.
Other names: c.113+4A>G (NM_018328.5).
Identifiers: ClinVar variation 516167 (VCV000516167.12), dbSNP rs201821636, ClinGen allele CA1899813.
Genomic context (GRCh38, chr2:148,458,875, plus strand): 5'-ACAAGTTCCTGTGGGTTGGCAGCGTCGTGTGGATCAAAATGGAGTGCTTTATGTCAGGTA[A>G]GTTCTTATTATTACCTGTGGTACCTGCAAAGTTGTACTCCAAAGACTAAGGAGAGAACCA-3'

ClinVar aggregate classification (germline): Likely benign. Review status: criteria provided, multiple submitters, no conflicts (2 of 4 stars). 3 submissions from 3 submitters: Likely benign (3). Last evaluated 2025-12-27.

Conditions:
Intellectual developmental disorder, autosomal dominant 1. Also called: MBD5 Haploinsufficiency; Intellectual disability, autosomal dominant 1. Identifiers: Orphanet 228402, MedGen C1969562, MONDO:0007974, OMIM 156200.

Allele frequency attached by ClinVar (database versions not stated): gnomAD 0.00004 and 0.00005; gnomAD exomes 0.00011 and 0.00002; TOPMed 0.00012; 1000 Genomes Project 0.00040; 1000 Genomes Project 30x 0.00047; ExAC 0.00008.
gnomAD v4.1: 40 of 1,609,272 alleles (0.0025%); highest among the groups gnomAD compares: East Asian, 0.078%; no homozygotes.

Submissions (4):

Labcorp Genetics (formerly Invitae), Labcorp
Classification: Likely benign for Intellectual developmental disorder, autosomal dominant 1. Last evaluated: 2025-12-27. Review status: criteria provided, single submitter. Criteria: Invitae Variant Classification Sherloc (09022015). Collection method: clinical testing. Allele origin: germline.

Blueprint Genetics
Classification: Likely benign. Last evaluated: 2019-12-17. Review status: criteria provided, single submitter. Criteria: ACMG Guidelines, 2015. Collection method: clinical testing. Allele origin: germline.

GeneDx
Classification: Likely benign. Last evaluated: 2017-06-07. Review status: criteria provided, single submitter. Criteria: GeneDx Variant Classification (06012015). Collection method: clinical testing. Allele origin: germline. Affected: yes.
Comment: This variant is considered likely benign or benign based on one or more of the following criteria: it is a conservative change, it occurs at a poorly conserved position in the protein, it is predicted to be benign by multiple in silico algorithms, and/or has population frequency not consistent with disease.

Dr. Peter K. Rogan Lab, Western University
No classification provided (evidence only). Condition: Melanoma. Review status: no classification provided. Collection method: in vitro. Allele origin: not applicable. Functional consequence: retained intron. Not counted in ClinVar's aggregate classification.